The following is an entry in ClinVar:

NM_004787.4(SLIT2):c.4176C>T (p.Ser1392=)

Gene: SLIT2 (slit guidance ligand 2; plus strand). Cytogenetic location: 4p15.31.
Variant type: single nucleotide variant.
Coding change: c.4176C>T on transcript NM_004787.4 (MANE Select); coding-DNA position 4176, C replaced by T.
Protein change: p.Ser1392=; no amino-acid change (serine 1392 retained).
Molecular consequence: synonymous variant.
Genome position (GRCh38, 1-based): chr4:20,617,478, C>T. VCF-style: chr4-20617478-C-T. GRCh37 (hg19) VCF-style: chr4-20619101-C-T.
Other names: c.4164C>T, p.Ser1388= (NM_001289135.3); c.4152C>T, p.Ser1384= (NM_001289136.3).
Identifiers: ClinVar variation 4809040 (VCV004809040.1).

ClinVar aggregate classification (germline): Uncertain significance (1 of 4 stars; one submission).

gnomAD v4.1: 3 of 1,614,130 alleles (0.00019%); highest among the groups gnomAD compares: Non-Finnish European, 0.00017%; no homozygotes.

Submission:

Labcorp Genetics (formerly Invitae), Labcorp
Classification: Uncertain significance. Last evaluated: 2026-01-11. Review status: criteria provided, single submitter. Criteria: Invitae Variant Classification Sherloc (09022015). Collection method: clinical testing. Allele origin: germline.
Comment: This sequence change affects codon 1392 of the SLIT2 mRNA. It is a 'silent' change, meaning that it does not change the encoded amino acid sequence of the SLIT2 protein. This variant is present in population databases (no rsID available, gnomAD 0.0009%). This variant has not been reported in the literature in individuals affected with SLIT2-related conditions. Algorithms developed to predict the effect of sequence changes on RNA splicing suggest that this variant may disrupt the consensus splice site. In summary, the available evidence is currently insufficient to determine the role of this variant in disease. Therefore, it has been classified as a Variant of Uncertain Significance.